The following is an entry in ClinVar:

ClinVar aggregate classification (germline): Likely benign. Review status: criteria provided, multiple submitters, no conflicts (2 of 4 stars). 4 submissions from 4 submitters: Likely benign (2). 2 of the submissions do not count toward it. Last evaluated 2025-10-27.

Conditions:
Colorectal cancer, susceptibility to, 12 (CRCS12). Also called: COLORECTAL CANCER, SUSCEPTIBILITY TO, ON CHROMOSOME 12q24. Identifiers: Orphanet 220460, MedGen C3554460, MONDO:0014038, OMIM 615083.
Polymerase proofreading-related adenomatous polyposis. Also called: Polymerase proofreading associated polyposis; Polymerase proofreading–associated polyposis (PPAP). Identifiers: Orphanet 447877, MedGen C5202613, MONDO:0018653.

Submissions (4):

Labcorp Genetics (formerly Invitae), Labcorp
Classification: Likely benign. Last evaluated: 2025-10-27. Review status: criteria provided, single submitter. Criteria: Invitae Variant Classification Sherloc (09022015). Collection method: clinical testing. Allele origin: germline.

GeneDx
Classification: Likely benign. Last evaluated: 2020-01-16. Review status: criteria provided, single submitter. Criteria: GeneDx Variant Classification Process June 2021. Collection method: clinical testing. Allele origin: germline. Affected: yes.

Counsyl
Classification: Likely benign for Colorectal cancer, susceptibility to, 12. Last evaluated: 2018-03-01. Review status: no assertion criteria provided. Collection method: clinical testing. Allele origin: unknown. Not counted in ClinVar's aggregate classification.

Department of Pathology and Laboratory Medicine, Sinai Health System
Classification: Likely benign for Polymerase proofreading-related adenomatous polyposis. Review status: no assertion criteria provided. Collection method: clinical testing. Allele origin: unknown. Affected: yes. Study: The Canadian Open Genetics Repository (COGR). Not counted in ClinVar's aggregate classification.
Comment: The POLE c.1474-13G>A variant was not identified in the literature nor was it identified in the dbSNP database. The variant was only identified in ClinVar (classified as likely benign by Counsyl). The variant was not identified in the following control databases: the Exome Aggregation Consortium (August 8th 2016) or the Genome Aggregation Database (Feb 27, 2017). The variant occurs outside of the splicing consensus sequence and in silico or computational prediction software programs (SpliceSiteFinder, MaxEntScan, NNSPLICE, GeneSplicer) do not predict a difference in splicing. In summary, based on the above information the clinical significance of this variant cannot be determined with certainty at this time although we would lean towards a more benign role for this variant. This variant is classified as likely benign.

NM_006231.4(POLE):c.1474-13G>A

Gene: POLE (DNA polymerase epsilon, catalytic subunit; minus strand). Cytogenetic location: 12q24.33.
Variant type: single nucleotide variant.
Coding change: c.1474-13G>A on transcript NM_006231.4 (MANE Select); 13 bases into the intron before coding-DNA position 1474, G replaced by A.
Molecular consequence: intron variant.
Genome position (GRCh38, 1-based): chr12:132,672,852, C>T on the plus strand (G>A on the coding strand, the complement: POLE is on the minus strand). VCF-style: chr12-132672852-C-T. GRCh37 (hg19) VCF-style: chr12-133249438-C-T.
Identifiers: ClinVar variation 548866 (VCV000548866.11), dbSNP rs1555228383, ClinGen allele CA658821399.